The following is an entry in ClinVar:

ClinVar aggregate classification (germline): Uncertain significance (1 of 4 stars; one submission).

Conditions:
Inborn genetic diseases. Identifiers: MedGen C0950123, MeSH D030342.

Submission:

Ambry Genetics
Classification: Uncertain significance for Inborn genetic diseases. Last evaluated: 2026-07-05. Review status: criteria provided, single submitter. Criteria: Ambry Variant Classification Scheme 2023. Collection method: clinical testing. Allele origin: germline.
Comment: The p.S711N variant (also known as c.2132G>A), located in coding exon 18 of the KDM1A gene, results from a G to A substitution at nucleotide position 2132. The serine at codon 711 is replaced by asparagine, an amino acid with highly similar properties. This amino acid position is conserved. In addition, the in silico prediction for this alteration is inconclusive. Based on the available evidence, the clinical significance of this variant remains unclear.

NM_001009999.3(KDM1A):c.2132G>A (p.Ser711Asn)

Gene: KDM1A (lysine demethylase 1A; plus strand). Cytogenetic location: 1p36.12.
Variant type: single nucleotide variant.
Coding change: c.2132G>A on transcript NM_001009999.3 (MANE Select); coding-DNA position 2132, G replaced by A.
Protein change: p.Ser711Asn; replaces serine 711 with asparagine.
Molecular consequence: missense variant.
Genome position (GRCh38, 1-based): chr1:23,079,629, G>A. VCF-style: chr1-23079629-G-A. GRCh37 (hg19) VCF-style: chr1-23406122-G-A.
Other names: c.2078G>A, p.Ser693Asn (NM_001363654.2); c.2138G>A, p.Ser713Asn (NM_001410762.1); c.2060G>A, p.Ser687Asn (NM_001410763.1, NM_015013.4); short protein forms S693N, S711N, S687N, S713N.
Identifiers: ClinVar variation 5023056 (VCV005023056.1).